The following is an entry in ClinVar:

ClinVar aggregate classification (germline): Pathogenic/Likely pathogenic. Review status: criteria provided, multiple submitters, no conflicts (2 of 4 stars). 2 submissions from 2 submitters: Pathogenic (1); Likely pathogenic (1). Last evaluated 2025-11-18.

Conditions:
NDP-related disorder. Also called: NDP-related condition.

Submissions (2):

Labcorp Genetics (formerly Invitae), Labcorp
Classification: Pathogenic. Last evaluated: 2025-11-18. Review status: criteria provided, single submitter. Criteria: Invitae Variant Classification Sherloc (09022015). Collection method: clinical testing. Allele origin: germline.
Comment: This sequence change replaces glycine, which is neutral and non-polar, with glutamic acid, which is acidic and polar, at codon 112 of the NDP protein (p.Gly112Glu). This variant is not present in population databases (gnomAD no frequency). This missense change has been observed in individual(s) with familial exudative vitreoretinopathy (PMID: 15776010, 28559085). It has also been observed to segregate with disease in related individuals. ClinVar contains an entry for this variant (Variation ID: 2138556). Invitae Evidence Modeling of protein sequence and biophysical properties (such as structural, functional, and spatial information, amino acid conservation, physicochemical variation, residue mobility, and thermodynamic stability) has been performed for this missense variant. However, the output from this modeling did not meet the statistical confidence thresholds required to predict the impact of this variant on NDP protein function. For these reasons, this variant has been classified as Pathogenic.

PreventionGenetics, part of Exact Sciences
Classification: Likely pathogenic for NDP-related condition. Last evaluated: 2024-11-01. Review status: criteria provided, single submitter. Criteria: ACMG Guidelines, 2015. Collection method: clinical testing. Allele origin: germline.
Comment: The NDP c.335G>A variant is predicted to result in the amino acid substitution p.Gly112Glu. This variant has been reported to segregate with disease in a large four-generation family with familial exudative vitreoretinopathy (Allen et al. 2006. PubMed ID: 15776010). Additionally, this variant has been reported in a large cohort study of retinal disease (Stone et al. 2017. PubMed ID: 28559085). This variant has not been reported in a large population database (gnomAD), indicating this variant is rare. This variant is interpreted as likely pathogenic.

Literature cited by the submitters: PubMed 15776010 (cited by Labcorp Genetics (formerly Invitae), Labcorp); PubMed 28559085 (cited by Labcorp Genetics (formerly Invitae), Labcorp).

NM_000266.4(NDP):c.335G>A (p.Gly112Glu)

Genes: NDP (norrin cystine knot growth factor NDP; minus strand), NDP-AS1 (NDP antisense RNA 1; plus strand). Cytogenetic location: Xp11.3.
Variant type: single nucleotide variant.
Coding change: c.335G>A on transcript NM_000266.4 (MANE Select); coding-DNA position 335, G replaced by A.
Protein change: p.Gly112Glu; replaces glycine 112 with glutamic acid.
Molecular consequence: missense variant. On other transcripts: non-coding transcript variant (1).
Genome position (GRCh38, 1-based): chrX:43,949,866, C>T on the plus strand (G>A on the coding strand, the complement: NDP is on the minus strand). VCF-style: chrX-43949866-C-T. GRCh37 (hg19) VCF-style: chrX-43809112-C-T.
Other names: c.335G>A (NM_000266.3); short protein forms G112E.
Identifiers: ClinVar variation 2138556 (VCV002138556.5), dbSNP rs2519314892, ClinGen allele CA413007379.